The following is an entry in ClinVar:

ClinVar aggregate classification (germline): Uncertain significance (1 of 4 stars; one submission).

Conditions:
EGFR-related lung cancer (EGFR). Identifiers: MedGen CN130014.

Allele frequency attached by ClinVar (database versions not stated): gnomAD exomes 0.00001.
gnomAD v4.1: 15 of 1,614,260 alleles (0.00093%); highest among the groups gnomAD compares: Non-Finnish European, 0.0013%; no homozygotes.

Submission:

Labcorp Genetics (formerly Invitae), Labcorp
Classification: Uncertain significance for EGFR-related lung cancer. Last evaluated: 2022-05-16. Review status: criteria provided, single submitter. Criteria: Invitae Variant Classification Sherloc (09022015). Collection method: clinical testing. Allele origin: germline.
Comment: In summary, the available evidence is currently insufficient to determine the role of this variant in disease. Therefore, it has been classified as a Variant of Uncertain Significance. Algorithms developed to predict the effect of missense changes on protein structure and function are either unavailable or do not agree on the potential impact of this missense change (SIFT: "Deleterious"; PolyPhen-2: "Possibly Damaging"; Align-GVGD: "Class C0"). This variant has not been reported in the literature in individuals affected with EGFR-related conditions. This variant is present in population databases (no rsID available, gnomAD 0.0009%). This sequence change replaces aspartic acid, which is acidic and polar, with valine, which is neutral and non-polar, at codon 46 of the EGFR protein (p.Asp46Val).

NM_005228.5(EGFR):c.137A>T (p.Asp46Val)

Gene: EGFR (epidermal growth factor receptor; plus strand). Cytogenetic location: 7p11.2.
Variant type: single nucleotide variant.
Coding change: c.137A>T on transcript NM_005228.5 (MANE Select); coding-DNA position 137, A replaced by T.
Protein change: p.Asp46Val; replaces aspartic acid 46 with valine.
Molecular consequence: missense variant. On other transcripts: 5 prime UTR variant (1), intron variant (1).
Genome position (GRCh38, 1-based): chr7:55,142,334, A>T. VCF-style: chr7-55142334-A-T. GRCh37 (hg19) VCF-style: chr7-55210027-A-T.
Other names: c.137A>T, p.Asp46Val (NM_001346897.2, NM_001346898.2, NM_001346899.2 and 3 more transcripts); c.-23A>T (NM_001346900.2); c.89-13496A>T (NM_001346941.2); short protein forms D46V.
Identifiers: ClinVar variation 1995049 (VCV001995049.4), dbSNP rs1343024399, ClinGen allele CA367574374.